The following is an entry in ClinVar:

NM_018006.5(TRMU):c.535C>T (p.Gln179Ter)

Gene: TRMU (tRNA mitochondrial 2-thiouridylase; plus strand). Cytogenetic location: 22q13.31.
Variant type: single nucleotide variant.
Coding change: c.535C>T on transcript NM_018006.5 (MANE Select); coding-DNA position 535, C replaced by T.
Protein change: p.Gln179Ter; replaces glutamine 179 with a stop codon.
Molecular consequence: nonsense. On other transcripts: non-coding transcript variant (2), intron variant (2).
Genome position (GRCh38, 1-based): chr22:46,350,347, C>T. VCF-style: chr22-46350347-C-T. GRCh37 (hg19) VCF-style: chr22-46746244-C-T.
Other names: c.193C>T, p.Gln65Ter (NM_001282782.2); c.535C>T, p.Gln179Ter (NM_001282785.2); c.118-3C>T (NM_001282783.2, NM_001282784.2); short protein forms Q179*, Q65*.
Identifiers: ClinVar variation 3688861 (VCV003688861.2).
Genomic context (GRCh38, chr22:46,350,347, plus strand): 5'-GCAGCGGTAAAACTCCTCCAGGCAGCTGACAGCTTTAAAGACCAGACCTTCTTTCTCAGC[C>T]AGGTTTCCCAGGATGCCCTGAGGAGAACCATCTTCCCTCTGGGGGGATTAACGAAAGAGT-3'

ClinVar aggregate classification (germline): Pathogenic (1 of 4 stars; one submission).

Submission:

Labcorp Genetics (formerly Invitae), Labcorp
Classification: Pathogenic. Last evaluated: 2024-02-06. Review status: criteria provided, single submitter. Criteria: Invitae Variant Classification Sherloc (09022015). Collection method: clinical testing. Allele origin: germline.
Comment: This sequence change creates a premature translational stop signal (p.Gln179*) in the TRMU gene. It is expected to result in an absent or disrupted protein product. Loss-of-function variants in TRMU are known to be pathogenic (PMID: 19732863, 23625533). This variant is present in population databases (rs781178279, gnomAD 0.007%). This variant has not been reported in the literature in individuals affected with TRMU-related conditions. Algorithms developed to predict the effect of sequence changes on RNA splicing suggest that this variant may disrupt the consensus splice site. For these reasons, this variant has been classified as Pathogenic.

Literature cited by the submitters: PubMed 19732863; PubMed 23625533.